The following is an entry in ClinVar:

ClinVar aggregate classification (germline): Pathogenic (1 of 4 stars; one submission).

Allele frequency attached by ClinVar (database versions not stated): gnomAD exomes below 0.00001.
gnomAD v4.1: 3 of 1,614,040 alleles (0.00019%); highest among the groups gnomAD compares: Non-Finnish European, 0.00025%; no homozygotes.

Submission:

Labcorp Genetics (formerly Invitae), Labcorp
Classification: Pathogenic. Last evaluated: 2023-10-22. Review status: criteria provided, single submitter. Criteria: Invitae Variant Classification Sherloc (09022015). Collection method: clinical testing. Allele origin: germline.
Comment: This sequence change creates a premature translational stop signal (p.Gln143*) in the SKIV2L gene. It is expected to result in an absent or disrupted protein product. Loss-of-function variants in SKIV2L are known to be pathogenic (PMID: 22444670). This variant is not present in population databases (gnomAD no frequency). This variant has not been reported in the literature in individuals affected with SKIV2L-related conditions. ClinVar contains an entry for this variant (Variation ID: 1381311). For these reasons, this variant has been classified as Pathogenic.

Literature cited by the submitters: PubMed 22444670.

NM_006929.5(SKIC2):c.427C>T (p.Gln143Ter)

Gene: SKIC2 (SKI2 subunit of superkiller complex; plus strand). Cytogenetic location: 6p21.33.
Variant type: single nucleotide variant.
Coding change: c.427C>T on transcript NM_006929.5 (MANE Select); coding-DNA position 427, C replaced by T.
Protein change: p.Gln143Ter; replaces glutamine 143 with a stop codon.
Molecular consequence: nonsense.
Genome position (GRCh38, 1-based): chr6:31,960,504, C>T. VCF-style: chr6-31960504-C-T. GRCh37 (hg19) VCF-style: chr6-31928281-C-T.
Other names: short protein forms Q143*.
Identifiers: ClinVar variation 1381311 (VCV001381311.6), dbSNP rs1685507024, ClinGen allele CA363438205.